The following is an entry in ClinVar:

NM_144643.4(SCLT1):c.1657T>C (p.Ser553Pro)

Gene: SCLT1 (sodium channel and clathrin linker 1; minus strand). Cytogenetic location: 4q28.2.
Variant type: single nucleotide variant.
Coding change: c.1657T>C on transcript NM_144643.4 (MANE Select); coding-DNA position 1657, T replaced by C.
Protein change: p.Ser553Pro; replaces serine 553 with proline.
Molecular consequence: missense variant.
Genome position (GRCh38, 1-based): chr4:128,936,827, A>G on the plus strand (T>C on the coding strand, the complement: SCLT1 is on the minus strand). VCF-style: chr4-128936827-A-G. GRCh37 (hg19) VCF-style: chr4-129857982-A-G.
Other names: short protein forms S553P.
Identifiers: ClinVar variation 1445777 (VCV001445777.6), dbSNP rs1737229031, ClinGen allele CA358184209.

ClinVar aggregate classification (germline): Uncertain significance (1 of 4 stars; one submission).

Submission:

Labcorp Genetics (formerly Invitae), Labcorp
Classification: Uncertain significance. Last evaluated: 2022-07-06. Review status: criteria provided, single submitter. Criteria: Invitae Variant Classification Sherloc (09022015). Collection method: clinical testing. Allele origin: germline.
Comment: Algorithms developed to predict the effect of missense changes on protein structure and function are either unavailable or do not agree on the potential impact of this missense change (SIFT: "Tolerated"; PolyPhen-2: "Probably Damaging"; Align-GVGD: "Class C0"). In summary, the available evidence is currently insufficient to determine the role of this variant in disease. Therefore, it has been classified as a Variant of Uncertain Significance. ClinVar contains an entry for this variant (Variation ID: 1445777). This variant has not been reported in the literature in individuals affected with SCLT1-related conditions. This variant is not present in population databases (gnomAD no frequency). This sequence change replaces serine, which is neutral and polar, with proline, which is neutral and non-polar, at codon 553 of the SCLT1 protein (p.Ser553Pro).